The following is an entry in ClinVar:

NM_001008537.3(NEXMIF):c.228C>A (p.Ser76Arg)

Gene: NEXMIF (neurite extension and migration factor; minus strand). Cytogenetic location: Xq13.3.
Variant type: single nucleotide variant.
Coding change: c.228C>A on transcript NM_001008537.3 (MANE Select); coding-DNA position 228, C replaced by A.
Protein change: p.Ser76Arg; replaces serine 76 with arginine.
Molecular consequence: missense variant.
Genome position (GRCh38, 1-based): chrX:74,744,329, G>T on the plus strand (C>A on the coding strand, the complement: NEXMIF is on the minus strand). VCF-style: chrX-74744329-G-T. GRCh37 (hg19) VCF-style: chrX-73964164-G-T.
Other names: c.228C>A (NM_001008537.2); short protein forms S76R.
Identifiers: ClinVar variation 1395523 (VCV001395523.9), dbSNP rs2147441841, ClinGen allele CA413674045.

ClinVar aggregate classification (germline): Uncertain significance. Review status: criteria provided, multiple submitters, no conflicts (2 of 4 stars). 2 submissions from 2 submitters: Uncertain significance (2). Last evaluated 2025-08-02.

gnomAD v4.1: 1 of 1,211,573 alleles (0.000083%); no homozygotes.

Submissions (2):

Ambry Genetics
Classification: Uncertain significance. Last evaluated: 2025-08-02. Review status: criteria provided, single submitter. Criteria: Ambry Variant Classification Scheme 2023. Collection method: clinical testing. Allele origin: germline.

Labcorp Genetics (formerly Invitae), Labcorp
Classification: Uncertain significance. Last evaluated: 2025-02-24. Review status: criteria provided, single submitter. Criteria: Invitae Variant Classification Sherloc (09022015). Collection method: clinical testing. Allele origin: germline.
Comment: This sequence change replaces serine, which is neutral and polar, with arginine, which is basic and polar, at codon 76 of the NEXMIF protein (p.Ser76Arg). This variant is not present in population databases (gnomAD no frequency). This variant has not been reported in the literature in individuals affected with NEXMIF-related conditions. ClinVar contains an entry for this variant (Variation ID: 1395523). An algorithm developed to predict the effect of missense changes on protein structure and function (PolyPhen-2) suggests that this variant is likely to be disruptive. In summary, the available evidence is currently insufficient to determine the role of this variant in disease. Therefore, it has been classified as a Variant of Uncertain Significance.